The following continues an entry in ClinVar:

NM_001165963.4(SCN1A):c.302G>A (p.Arg101Gln)

Gene: SCN1A. ClinVar aggregate classification (germline): Pathogenic. Pathogenic (12).

Submissions 11 to 13 of 13:

Juno Genomics, Hangzhou Juno Genomics, Inc
Classification: Pathogenic for Developmental and epileptic encephalopathy 6B; Severe myoclonic epilepsy in infancy; Generalized epilepsy with febrile seizures plus, type 2. Review status: criteria provided, single submitter. Criteria: ACMG Guidelines, 2015. Collection method: clinical testing. Allele origin: germline. Affected: yes.
Comment: Absent from controls (or at extremely low frequency if recessive) in Genome Aggregation Database, Exome Sequencing Project, 1000 Genomes Project, or Exome Aggregation Consortium.;De novo (both maternity and paternity confirmed) in a patient with the disease and no family history.;Multiple lines of computational evidence support a deleterious effect on the gene or gene product (conservation, evolutionary, splicing impact, etc).;Missense variant in a gene that has a low rate of benign missense variation and where missense variants are a common mechanism of disease.;Novel missense change at an amino acid residue where a different missense change determined to be pathogenic has been seen before.;The prevalence of the variant in affected individuals is significantly increased compared to the prevalence in controls.;Patient's phenotype or family history is highly specific for a disease with a single genetic etiology.

Lifecell International Pvt. Ltd
Classification: Pathogenic for Severe myoclonic epilepsy in infancy. Review status: criteria provided, single submitter. Criteria: ACMG Guidelines, 2015. Collection method: clinical testing. Allele origin: germline. Inheritance: Autosomal dominant inheritance. Affected: yes. Observed: 1 heterozygote.
Comment: The missense variant NM_001165963.4 (SCN1A):c.302G>A (p.Arg101Gln) causes the same amino acid change as a previously established pathogenic variant. The p.Arg101Gln variant is novel (not in any individuals) in gnomAD. The p.Arg101Gln variant is novel (not in any individuals) in 1kG. There is a small physicochemical difference between arginine and glutamine, which is not likely to impact secondary protein structure as these residues share similar properties. The gene SCN1A has a low rate of benign missense variation as indicated by a high missense variants Z-Score of 5.22. Missense Variants Z-Score is produced by the Exome Aggregation Consortium (60,706 adult humans) by computing a signed Z score for the deviation of observed counts from the expected number. Positive Z scores indicate increased constraint (intolerance to variation) and therefore that the gene had fewer missense variants than expected. (DOI: 10.1038/nature19057). This variant has previously been reported for Dravet syndrome by Sun H et al., 2010. The gene SCN1A contains 539 pathogenic missense variants, indicating that missense variants are a common mechanism of disease in this gene. 5 variants within 6 amino acid positions of the variant p.Arg101Gln have been shown to be pathogenic, while none have been shown to be benign. The p.Arg101Gln missense variant is predicted to be damaging by both SIFT and PolyPhen2. The arginine residue at codon 101 of SCN1A is conserved in all mammalian species. The nucleotide c.302 in SCN1A is predicted conserved by GERP++ and PhyloP across 100 vertebrates. For these reasons, this variant has been classified as Pathogenic.

UniProtKB/Swiss-Prot
No classification provided. Condition: Severe myoclonic epilepsy in infancy. Review status: no classification provided. Collection method: not provided. Allele origin: unknown. Not counted in ClinVar's aggregate classification.

Literature cited by the submitters: PubMed 14738421 (cited by 3 submitters); PubMed 23195492 (cited by Labcorp Genetics (formerly Invitae), Labcorp and Victorian Clinical Genetics Services, Murdoch Childrens Research Institute); PubMed 23808377 (cited by Labcorp Genetics (formerly Invitae), Labcorp and Victorian Clinical Genetics Services, Murdoch Childrens Research Institute); PubMed 24328833 (cited by 4 submitters); PubMed 25986186 (cited by Labcorp Genetics (formerly Invitae), Labcorp and Victorian Clinical Genetics Services, Murdoch Childrens Research Institute); PubMed 20431604 (cited by 3 submitters); PubMed 17347258 (cited by 3billion); PubMed 22071555 (cited by Victorian Clinical Genetics Services, Murdoch Childrens Research Institute); PubMed 28488083 (cited by Victorian Clinical Genetics Services, Murdoch Childrens Research Institute); PubMed 19589774 (cited by Eurofins Ntd Llc (ga)).